The following is an entry in ClinVar:

NM_001041.4(SI):c.1887+8A>C

Gene: SI (sucrase-isomaltase; minus strand). Cytogenetic location: 3q26.1.
Variant type: single nucleotide variant.
Coding change: c.1887+8A>C on transcript NM_001041.4 (MANE Select); 8 bases into the intron after coding-DNA position 1887, A replaced by C.
Molecular consequence: intron variant.
Genome position (GRCh38, 1-based): chr3:165,046,833, T>G on the plus strand (A>C on the coding strand, the complement: SI is on the minus strand). VCF-style: chr3-165046833-T-G. GRCh37 (hg19) VCF-style: chr3-164764621-T-G.
Other names: c.1887+8A>C (NM_001041.3).
Identifiers: ClinVar variation 1632678 (VCV001632678.11), dbSNP rs372410648, ClinGen allele CA2690925.

ClinVar aggregate classification (germline): Likely benign. Review status: criteria provided, multiple submitters, no conflicts (2 of 4 stars). 3 submissions from 3 submitters: Likely benign (2). 1 of the submissions does not count toward it. Last evaluated 2025-11-04.

Conditions:
SI-related disorder. Also called: SI-related condition.
Sucrase-isomaltase deficiency (CSID). Also called: SI DEFICIENCY; Congenital sucrose isomaltose malabsorption; Sucrose isomaltose enzyme deficiency; Deficiency of isomaltase. Identifiers: Orphanet 35122, MedGen C1283620, MONDO:0009114, OMIM 222900.

Allele frequency attached by ClinVar (database versions not stated): ExAC 0.00002; gnomAD exomes 0.00002; gnomAD 0.00003 and 0.00004; TOPMed 0.00003; ESP Exome Variant Server 0.00008.
gnomAD v4.1: 56 of 1,605,502 alleles (0.0035%); highest among the groups gnomAD compares: Non-Finnish European, 0.0047%; no homozygotes.

Submissions (3):

Labcorp Genetics (formerly Invitae), Labcorp
Classification: Likely benign. Last evaluated: 2025-11-04. Review status: criteria provided, single submitter. Criteria: Invitae Variant Classification Sherloc (09022015). Collection method: clinical testing. Allele origin: germline.

Fulgent Genetics
Classification: Likely benign for Sucrase-isomaltase deficiency. Last evaluated: 2021-11-05. Review status: criteria provided, single submitter. Criteria: ACMG Guidelines, 2015. Collection method: clinical testing. Allele origin: unknown.

PreventionGenetics, part of Exact Sciences
Classification: Likely benign for SI-related condition. Last evaluated: 2023-07-12. Review status: no assertion criteria provided. Collection method: clinical testing. Allele origin: germline. Not counted in ClinVar's aggregate classification.
Comment: This variant is classified as likely benign based on ACMG/AMP sequence variant interpretation guidelines (Richards et al. 2015 PMID: 25741868, with internal and published modifications).